The following is an entry in ClinVar:

NM_020832.3(ZNF687):c.3013G>A (p.Ala1005Thr)

Gene: ZNF687 (zinc finger protein 687; plus strand). Cytogenetic location: 1q21.3.
Variant type: single nucleotide variant.
Coding change: c.3013G>A on transcript NM_020832.3 (MANE Select); coding-DNA position 3013, G replaced by A.
Protein change: p.Ala1005Thr; replaces alanine 1005 with threonine.
Molecular consequence: missense variant.
Genome position (GRCh38, 1-based): chr1:151,290,170, G>A. VCF-style: chr1-151290170-G-A. GRCh37 (hg19) VCF-style: chr1-151262646-G-A.
Other names: c.3013G>A, p.Ala1005Thr (NM_001304763.2, NM_001304764.2); short protein forms A1005T.
Identifiers: ClinVar variation 3701509 (VCV003701509.2).
Genomic context (GRCh38, chr1:151,290,170, plus strand): 5'-CTGCTCTCCTAGTCAGTGAAAAAGTTCCCCTGTCGCCTGTGTGAGCGCTCCTTCTGCTCC[G>A]CCCCCAGCCTGAGGCGCCATGTCAGAGTTAATCACGAGGGCATCAAGCGAGTTTACCCCT-3'
Protein context (NP_065883.1, residues 995-1015): CRLCERSFCS[Ala1005Thr]PSLRRHVRVN

ClinVar aggregate classification (germline): Uncertain significance (1 of 4 stars; one submission).

gnomAD v4.1: 28 of 1,613,842 alleles (0.0017%); highest among the groups gnomAD compares: African/African-American, 0.004%; no homozygotes.

Submission:

Labcorp Genetics (formerly Invitae), Labcorp
Classification: Uncertain significance. Last evaluated: 2024-12-18. Review status: criteria provided, single submitter. Criteria: Invitae Variant Classification Sherloc (09022015). Collection method: clinical testing. Allele origin: germline.
Comment: This sequence change replaces alanine, which is neutral and non-polar, with threonine, which is neutral and polar, at codon 1005 of the ZNF687 protein (p.Ala1005Thr). This variant is present in population databases (rs749513988, gnomAD 0.007%). This variant has not been reported in the literature in individuals affected with ZNF687-related conditions. An algorithm developed to predict the effect of missense changes on protein structure and function (PolyPhen-2) suggests that this variant is likely to be disruptive. In summary, the available evidence is currently insufficient to determine the role of this variant in disease. Therefore, it has been classified as a Variant of Uncertain Significance.